The following is an entry in ClinVar:

NM_024426.6(WT1):c.510C>T (p.Ser170=)

Genes: WT1 (WT1 transcription factor; minus strand), LOC107982234 (WT1/WT1-AS bi-directional promoter region; plus strand). Cytogenetic location: 11p13.
Variant type: single nucleotide variant.
Coding change: c.510C>T on transcript NM_024426.6 (MANE Select); coding-DNA position 510, C replaced by T.
Protein change: p.Ser170=; no amino-acid change (serine 170 retained).
Molecular consequence: synonymous variant. On other transcripts: non-coding transcript variant (1).
Genome position (GRCh38, 1-based): chr11:32,434,851, G>A on the plus strand (C>T on the coding strand, the complement: WT1 is on the minus strand). VCF-style: chr11-32434851-G-A. GRCh37 (hg19) VCF-style: chr11-32456397-G-A.
Other names: c.495C>T (NM_024426.4); c.510C>T, p.Ser170= (NM_000378.6, NM_024424.5).
Identifiers: ClinVar variation 1147854 (VCV001147854.15), dbSNP rs772890986, ClinGen allele CA065003.

ClinVar aggregate classification (germline): Likely benign. Review status: criteria provided, multiple submitters, no conflicts (2 of 4 stars). 4 submissions from 4 submitters: Likely benign (4). Last evaluated 2026-04-01.

Conditions:
Drash syndrome (DDS). Also called: NEPHROPATHY, WILMS TUMOR, AND GENITAL ANOMALIES; WILMS TUMOR AND PSEUDO- OR TRUE HERMAPHRODITISM. Identifiers: Orphanet 220, MedGen C0950121, MONDO:0008682, OMIM 194080.
Frasier syndrome. Identifiers: Orphanet 347, MedGen C0950122, MeSH D052159, MONDO:0007635, OMIM 136680.
Wilms tumor 1 (WT1). Also called: Wilms tumor, somatic. Identifiers: Orphanet 654, MedGen CN033288, MONDO:0008679, OMIM 194070.
11p partial monosomy syndrome (WAGR). Also called: CHROMOSOME 11p13 DELETION SYNDROME; WAGR Spectrum Disorder; WAGR syndrome; WAGR Complex. Identifiers: Orphanet 893, MedGen C0206115, MONDO:0008681, OMIM 194072.
Inborn genetic diseases. Identifiers: MedGen C0950123, MeSH D030342.

Allele frequency attached by ClinVar (database versions not stated): TOPMed 0.00002; ExAC 0.00003; gnomAD exomes 0.00005.
gnomAD v4.1: 22 of 1,612,454 alleles (0.0014%); highest among the groups gnomAD compares: Admixed American, 0.017%; no homozygotes.

Submissions (4):

CeGaT Center for Human Genetics Tuebingen
Classification: Likely benign. Last evaluated: 2026-04-01. Review status: criteria provided, single submitter. Criteria: CeGaT Center For Human Genetics Tuebingen Variant Classification Criteria Version 2. Collection method: clinical testing. Allele origin: germline. Affected: yes. Observed: 2 variant alleles.
Comment: WT1: BP4, BP7

Labcorp Genetics (formerly Invitae), Labcorp
Classification: Likely benign for Wilms tumor 1; Drash syndrome; 11p partial monosomy syndrome; Frasier syndrome. Last evaluated: 2026-01-29. Review status: criteria provided, single submitter. Criteria: Invitae Variant Classification Sherloc (09022015). Collection method: clinical testing. Allele origin: germline.

Ambry Genetics
Classification: Likely benign for Inborn genetic diseases. Last evaluated: 2024-08-21. Review status: criteria provided, single submitter. Criteria: Ambry Variant Classification Scheme 2023. Collection method: clinical testing. Allele origin: germline.

All of Us Research Program, National Institutes of Health
Classification: Likely benign for Wilms tumor 1. Last evaluated: 2023-12-13. Review status: criteria provided, single submitter. Criteria: ACMG Guidelines, 2015. Collection method: clinical testing. Allele origin: germline. Inheritance: Autosomal dominant inheritance. Observed: 5 variant alleles, 5 heterozygotes.
Comment: This study involves interpretation of variants in research participants for the purpose of population health screening. Participant phenotype was not available at the time of variant classification. Additional details can be found in publication PMID: 35346344, PMCID: PMC8962531